The following is an entry in ClinVar:

NM_024306.5(FA2H):c.442C>A (p.Pro148Thr)

Gene: FA2H (fatty acid 2-hydroxylase; minus strand). Cytogenetic location: 16q23.1.
Variant type: single nucleotide variant.
Coding change: c.442C>A on transcript NM_024306.5 (MANE Select); coding-DNA position 442, C replaced by A.
Protein change: p.Pro148Thr; replaces proline 148 with threonine.
Molecular consequence: missense variant.
Genome position (GRCh38, 1-based): chr16:74,727,308, G>T on the plus strand (C>A on the coding strand, the complement: FA2H is on the minus strand). VCF-style: chr16-74727308-G-T. GRCh37 (hg19) VCF-style: chr16-74761206-G-T.
Other names: short protein forms P148T.
Identifiers: ClinVar variation 3390535 (VCV003390535.1).

ClinVar aggregate classification (germline): Uncertain significance (1 of 4 stars; one submission).

Submission:

GeneDx
Classification: Uncertain significance. Last evaluated: 2024-06-16. Review status: criteria provided, single submitter. Criteria: GeneDx Variant Classification Process June 2021. Collection method: clinical testing. Allele origin: germline. Affected: yes.
Comment: Not observed at significant frequency in large population cohorts (gnomAD); In silico analysis supports that this missense variant has a deleterious effect on protein structure/function; Has not been previously published as pathogenic or benign to our knowledge